The following is an entry in ClinVar:

ClinVar aggregate classification (germline): Uncertain significance (1 of 4 stars; one submission).

Conditions:
Emery-Dreifuss muscular dystrophy 4, autosomal dominant (EDMD4). Also called: EMERY-DREIFUSS MUSCULAR DYSTROPHY 4 WITH VARIABLE FEATURES. Identifiers: Orphanet 261, MedGen C2751807, MONDO:0013071, OMIM 612998.
Autosomal recessive ataxia, Beauce type. Also called: SYNE1 Deficiency; Spinocerebellar ataxia, autosomal recessive 8; ATAXIA, RECESSIVE, OF BEAUCE; SYNE1-Related Autosomal Recessive Cerebellar Ataxia. Identifiers: Orphanet 88644, MedGen C1853116, MONDO:0012549, OMIM 610743.

gnomAD v4.1: 1 of 1,614,194 alleles (0.000062%); highest among the groups gnomAD compares: South Asian, 0.0011%; no homozygotes.

Submission:

Labcorp Genetics (formerly Invitae), Labcorp
Classification: Uncertain significance for Emery-Dreifuss muscular dystrophy 4, autosomal dominant; Autosomal recessive ataxia, Beauce type. Last evaluated: 2023-06-19. Review status: criteria provided, single submitter. Criteria: Invitae Variant Classification Sherloc (09022015). Collection method: clinical testing. Allele origin: germline.
Comment: In summary, the available evidence is currently insufficient to determine the role of this variant in disease. Therefore, it has been classified as a Variant of Uncertain Significance. An algorithm developed to predict the effect of missense changes on protein structure and function (PolyPhen-2) suggests that this variant is likely to be disruptive. ClinVar contains an entry for this variant (Variation ID: 1983304). This variant has not been reported in the literature in individuals affected with SYNE1-related conditions. This variant is present in population databases (no rsID available, gnomAD 0.003%). This sequence change replaces leucine, which is neutral and non-polar, with proline, which is neutral and non-polar, at codon 3497 of the SYNE1 protein (p.Leu3497Pro).

NM_182961.4(SYNE1):c.10469T>C (p.Leu3490Pro)

Gene: SYNE1 (spectrin repeat containing nuclear envelope protein 1; minus strand). Cytogenetic location: 6q25.2.
Variant type: single nucleotide variant.
Coding change: c.10469T>C on transcript NM_182961.4 (MANE Select); coding-DNA position 10469, T replaced by C.
Protein change: p.Leu3490Pro; replaces leucine 3490 with proline.
Molecular consequence: missense variant.
Genome position (GRCh38, 1-based): chr6:152,358,512, A>G on the plus strand (T>C on the coding strand, the complement: SYNE1 is on the minus strand). VCF-style: chr6-152358512-A-G. GRCh37 (hg19) VCF-style: chr6-152679647-A-G.
Other names: c.10490T>C, p.Leu3497Pro (NM_033071.5); short protein forms L3490P, L3497P.
Identifiers: ClinVar variation 1983304 (VCV001983304.4), dbSNP rs765879613, ClinGen allele CA366128063.
Genomic context (GRCh38, chr6:152,358,512, plus strand): 5'-TGCCCCAACCAAACTTCAAATGCCTTTAGGTCTCTCTGATACTCTTGGTGCAGGCGGACA[A>G]GTTTTTCAGACTTGGTTACGGCTTCCTATAATTAGCATTTAAAATAATGAAGTTAGGAAC-3'
Protein context (NP_892006.3, residues 3480-3500): AKEAVTKSEK[Leu3490Pro]VRLHQEYQRD